The following is an entry in ClinVar:

NM_000059.4(BRCA2):c.9467A>T (p.Gln3156Leu)

Gene: BRCA2 (BRCA2 DNA repair associated; plus strand). Cytogenetic location: 13q13.1.
Variant type: single nucleotide variant.
Coding change: c.9467A>T on transcript NM_000059.4 (MANE Select); coding-DNA position 9467, A replaced by T.
Protein change: p.Gln3156Leu; replaces glutamine 3156 with leucine.
Molecular consequence: missense variant. On other transcripts: non-coding transcript variant (1).
Genome position (GRCh38, 1-based): chr13:32,394,899, A>T. VCF-style: chr13-32394899-A-T. GRCh37 (hg19) VCF-style: chr13-32969036-A-T.
Other names: c.9371A>T, p.Gln3124Leu (NM_001406719.1); c.9416A>T, p.Gln3139Leu (NM_001406720.1); c.4535A>T, p.Gln1512Leu (NM_001406721.1); c.3050A>T, p.Gln1017Leu (NM_001406722.1); c.9467A>T, p.Gln3156Leu (NM_001432077.1); short protein forms Q3124L, Q3139L, Q1017L, Q1512L, Q3156L.
Identifiers: ClinVar variation 4215813 (VCV004215813.1).

ClinVar aggregate classification (germline): Uncertain significance (1 of 4 stars; one submission).

Conditions:
Hereditary cancer-predisposing syndrome. Also called: Hereditary Cancer Syndrome; Hereditary neoplastic syndrome; Neoplastic Syndromes, Hereditary; Tumor predisposition. Identifiers: Orphanet 140162, MedGen C0027672, MeSH D009386, MONDO:0015356.

Submission:

Ambry Genetics
Classification: Uncertain significance for Hereditary cancer-predisposing syndrome. Last evaluated: 2025-06-24. Review status: criteria provided, single submitter. Criteria: Ambry Variant Classification Scheme 2023. Collection method: clinical testing. Allele origin: germline.
Comment: The p.Q3156L variant (also known as c.9467A>T), located in coding exon 24 of the BRCA2 gene, results from an A to T substitution at nucleotide position 9467. The glutamine at codon 3156 is replaced by leucine, an amino acid with dissimilar properties. This amino acid position is conserved. In addition, the in silico prediction for this alteration is inconclusive. Based on the available evidence, the clinical significance of this variant remains unclear.